The following is an entry in ClinVar:

ClinVar aggregate classification (germline): Uncertain significance. Review status: criteria provided, multiple submitters, no conflicts (2 of 4 stars). 2 submissions from 2 submitters: Uncertain significance (2). Last evaluated 2025-11-23.

Conditions:
Renal tubular dysgenesis of genetic origin. Also called: PRIMITIVE RENAL TUBULE SYNDROME. Identifiers: Orphanet 97369, MedGen C5681536, MONDO:0009970, OMIM 267430.

gnomAD v4.1: 5 of 1,614,174 alleles (0.00031%); highest among the groups gnomAD compares: Non-Finnish European, 0.00042%; no homozygotes.

Submissions (2):

Labcorp Genetics (formerly Invitae), Labcorp
Classification: Uncertain significance. Last evaluated: 2025-11-23. Review status: criteria provided, single submitter. Criteria: Invitae Variant Classification Sherloc (09022015). Collection method: clinical testing. Allele origin: germline.
Comment: This sequence change replaces glutamic acid, which is acidic and polar, with aspartic acid, which is acidic and polar, at codon 338 of the AGT protein (p.Glu338Asp). This variant is not present in population databases (gnomAD no frequency). This variant has not been reported in the literature in individuals affected with AGT-related conditions. ClinVar contains an entry for this variant (Variation ID: 3581017). Invitae Evidence Modeling of protein sequence and biophysical properties (such as structural, functional, and spatial information, amino acid conservation, physicochemical variation, residue mobility, and thermodynamic stability) indicates that this missense variant is not expected to disrupt AGT protein function with a negative predictive value of 80%. In summary, the available evidence is currently insufficient to determine the role of this variant in disease. Therefore, it has been classified as a Variant of Uncertain Significance.

Fulgent Genetics
Classification: Uncertain significance for Renal tubular dysgenesis of genetic origin. Last evaluated: 2024-06-03. Review status: criteria provided, single submitter. Criteria: ACMG Guidelines, 2015. Collection method: clinical testing. Allele origin: germline.

NM_001384479.1(AGT):c.987G>C (p.Glu329Asp)

Gene: AGT (angiotensinogen; minus strand). Cytogenetic location: 1q42.2.
Variant type: single nucleotide variant.
Coding change: c.987G>C on transcript NM_001384479.1 (MANE Select); coding-DNA position 987, G replaced by C.
Protein change: p.Glu329Asp; replaces glutamic acid 329 with aspartic acid.
Molecular consequence: missense variant.
Genome position (GRCh38, 1-based): chr1:230,706,043, C>G on the plus strand (G>C on the coding strand, the complement: AGT is on the minus strand). VCF-style: chr1-230706043-C-G. GRCh37 (hg19) VCF-style: chr1-230841789-C-G.
Other names: c.987G>C, p.Glu329Asp (NM_001382817.3); short protein forms E329D.
Identifiers: ClinVar variation 3581017 (VCV003581017.2).